The following is an entry in ClinVar:

NM_020297.4(ABCC9):c.3096+100A>T

Gene: ABCC9 (ATP binding cassette subfamily C member 9; minus strand). Cytogenetic location: 12p12.1.
Variant type: single nucleotide variant.
Coding change: c.3096+100A>T on transcript NM_020297.4 (MANE Select); 100 bases into the intron after coding-DNA position 3096, A replaced by T.
Molecular consequence: intron variant.
Genome position (GRCh38, 1-based): chr12:21,845,503, T>A on the plus strand (A>T on the coding strand, the complement: ABCC9 is on the minus strand). VCF-style: chr12-21845503-T-A. GRCh37 (hg19) VCF-style: chr12-21998437-T-A.
Other names: c.2229+100A>T (NM_001377274.1); c.3096+100A>T (NM_005691.4, NM_001377273.1).
Identifiers: ClinVar variation 672437 (VCV000672437.2), dbSNP rs78632205, ClinGen allele CA233594908.

ClinVar aggregate classification (germline): Likely benign. Review status: criteria provided, multiple submitters, no conflicts (2 of 4 stars). 2 submissions from 2 submitters: Likely benign (2). Last evaluated 2018-06-19.

Allele frequency attached by ClinVar (database versions not stated): gnomAD exomes 0.00080; gnomAD 0.00613 and 0.00662; 1000 Genomes Project 0.00739; TOPMed 0.00761; 1000 Genomes Project 30x 0.00781.
gnomAD v4.1: 1,533 of 881,106 alleles (0.17%); highest among the groups gnomAD compares: African/African-American, 2.3%; 10 homozygotes.

Submissions (2):

GeneDx
Classification: Likely benign. Last evaluated: 2018-06-19. Review status: criteria provided, single submitter. Criteria: GeneDx Variant Classification (06012015). Collection method: clinical testing. Allele origin: germline. Affected: yes.
Comment: This variant is considered likely benign or benign based on one or more of the following criteria: it is a conservative change, it occurs at a poorly conserved position in the protein, it is predicted to be benign by multiple in silico algorithms, and/or has population frequency not consistent with disease.

Breakthrough Genomics
Classification: Likely benign. Review status: criteria provided, single submitter. Criteria: ACMG Guidelines, 2015. Collection method: not provided. Allele origin: germline. Inheritance: Autosomal recessive inheritance. Affected: yes.